The following is an entry in ClinVar:

ClinVar aggregate classification (germline): Likely benign (1 of 4 stars; one submission).

Conditions:
Disorders of Intracellular Cobalamin Metabolism. Identifiers: MedGen CN043592.

Allele frequency attached by ClinVar (database versions not stated): gnomAD 0.00010 and 0.00031; TOPMed 0.00011; 1000 Genomes Project 30x 0.00141; 1000 Genomes Project 0.00160.
gnomAD v4.1: 47 of 152,348 alleles (0.031%); highest among the groups gnomAD compares: South Asian, 0.64%; 2 homozygotes.

Submission:

Illumina Laboratory Services, Illumina
Classification: Likely benign for Disorders of Intracellular Cobalamin Metabolism. Last evaluated: 2018-01-12. Review status: criteria provided, single submitter. Criteria: ICSL Variant Classification Criteria 13 December 2019. Collection method: clinical testing. Allele origin: germline.
Comment: This variant was observed in the ICSL laboratory as part of a predisposition screen in an ostensibly healthy population. It had not been previously curated by ICSL or reported in the Human Gene Mutation Database (HGMD: prior to June 1st, 2018), and was therefore a candidate for classification through an automated scoring system. Utilizing variant allele frequency, disease prevalence and penetrance estimates, and inheritance mode, an automated score was calculated to assess if this variant is too frequent to cause the disease. Based on the score and internal cut-off values, a variant classified as likely benign is not then subjected to further curation. The score for this variant resulted in a classification of likely benign for this disease.

NM_000254.3(MTR):c.*4293C>T

Gene: MTR (5-methyltetrahydrofolate-homocysteine methyltransferase; plus strand). Cytogenetic location: 1q43.
Variant type: single nucleotide variant.
Coding change: c.*4293C>T on transcript NM_000254.3 (MANE Select); 4293 bases downstream of the stop codon, C replaced by T.
Molecular consequence: 3 prime UTR variant.
Genome position (GRCh38, 1-based): chr1:236,901,937, C>T. VCF-style: chr1-236901937-C-T. GRCh37 (hg19) VCF-style: chr1-237065237-C-T.
Other names: c.*4293C>T (NM_001291939.1, NM_001291940.2).
Identifiers: ClinVar variation 875825 (VCV000875825.4), dbSNP rs532989425, ClinGen allele CA39768710.